The following is an entry in ClinVar:

ClinVar aggregate classification (germline): Uncertain significance (1 of 4 stars; one submission).

gnomAD v4.1: 1 of 1,613,778 alleles (0.000062%); highest among the groups gnomAD compares: Non-Finnish European, 0.000085%; no homozygotes.

Submission:

GeneDx
Classification: Uncertain significance. Last evaluated: 2023-08-07. Review status: criteria provided, single submitter. Criteria: GeneDx Variant Classification Process June 2021. Collection method: clinical testing. Allele origin: germline. Affected: yes.
Comment: Not observed at significant frequency in large population cohorts (gnomAD); In silico analysis supports that this missense variant does not alter protein structure/function; Has not been previously published as pathogenic or benign to our knowledge

NM_006922.4(SCN3A):c.596T>C (p.Val199Ala)

Gene: SCN3A (sodium voltage-gated channel alpha subunit 3; minus strand). Cytogenetic location: 2q24.3.
Variant type: single nucleotide variant.
Coding change: c.596T>C on transcript NM_006922.4 (MANE Select); coding-DNA position 596, T replaced by C.
Protein change: p.Val199Ala; replaces valine 199 with alanine.
Molecular consequence: missense variant.
Genome position (GRCh38, 1-based): chr2:165,164,398, A>G on the plus strand (T>C on the coding strand, the complement: SCN3A is on the minus strand). VCF-style: chr2-165164398-A-G. GRCh37 (hg19) VCF-style: chr2-166020908-A-G.
Other names: c.596T>C, p.Val199Ala (NM_001081676.2, NM_001081677.2); short protein forms V199A.
Identifiers: ClinVar variation 3361730 (VCV003361730.1).
Genomic context (GRCh38, chr2:165,164,398, plus strand): 5'-GTACTATGACTATTTTCACTCCTTTGCGCTTATCAAATTTTCAAAGTTACTCACGCCATC[A>G]CAATGACACTGAAATCCAGCCAGTTCCATGGATCACGAAGAAACGTAAAATCTTCTAAGC-3'
Protein context (NP_008853.3, residues 189-209): PWNWLDFSVI[Val199Ala]MAYVTEFVDL